The following is an entry in ClinVar:

NM_017636.4(TRPM4):c.3554T>G (p.Val1185Gly)

Gene: TRPM4 (transient receptor potential cation channel subfamily M member 4; plus strand). Cytogenetic location: 19q13.33.
Variant type: single nucleotide variant.
Coding change: c.3554T>G on transcript NM_017636.4 (MANE Select); coding-DNA position 3554, T replaced by G.
Protein change: p.Val1185Gly; replaces valine 1185 with glycine.
Molecular consequence: missense variant.
Genome position (GRCh38, 1-based): chr19:49,211,183, T>G. VCF-style: chr19-49211183-T-G. GRCh37 (hg19) VCF-style: chr19-49714440-T-G.
Other names: c.3119T>G, p.Val1040Gly (NM_001195227.2); c.3209T>G, p.Val1070Gly (NM_001321281.2); c.1946T>G, p.Val649Gly (NM_001321282.2); c.3032T>G, p.Val1011Gly (NM_001321283.2); c.2492T>G, p.Val831Gly (NM_001321285.2); short protein forms V1011G, V1070G, V1040G, V649G, V1185G, V831G.
Identifiers: ClinVar variation 3974273 (VCV003974273.1).
Genomic context (GRCh38, chr19:49,211,183, plus strand): 5'-GGGGTCCCATCTCCCGCTCTGACATTCCTCCCATTCCGCAGGTCCAGCAGTGTAGCCGCG[T>G]CCTGGGGTGGGTGGCCGAGGCCCTGAGCCGCTCTGCCTTGCTGCCCCCAGGTGGGCCGCC-3'
Protein context (NP_060106.2, residues 1175-1195): LEREVQQCSR[Val1185Gly]LGWVAEALSR

ClinVar aggregate classification (germline): Uncertain significance (1 of 4 stars; one submission).

Conditions:
Cardiovascular phenotype. Identifiers: MedGen CN230736.

Submission:

Ambry Genetics
Classification: Uncertain significance for Cardiovascular phenotype. Last evaluated: 2025-05-03. Review status: criteria provided, single submitter. Criteria: Ambry Variant Classification Scheme 2023. Collection method: clinical testing. Allele origin: germline.
Comment: The p.V1185G variant (also known as c.3554T>G), located in coding exon 24 of the TRPM4 gene, results from a T to G substitution at nucleotide position 3554. The valine at codon 1185 is replaced by glycine, an amino acid with dissimilar properties. This amino acid position is conserved. In addition, this alteration is predicted to be tolerated by in silico analysis. Based on the available evidence, the clinical significance of this variant remains unclear.